The following is an entry in ClinVar:

NM_000748.3(CHRNB2):c.381C>T (p.Tyr127=)

Gene: CHRNB2 (cholinergic receptor nicotinic beta 2 subunit; plus strand). Cytogenetic location: 1q21.3.
Variant type: single nucleotide variant.
Coding change: c.381C>T on transcript NM_000748.3 (MANE Select); coding-DNA position 381, C replaced by T.
Protein change: p.Tyr127=; no amino-acid change (tyrosine 127 retained).
Molecular consequence: synonymous variant.
Genome position (GRCh38, 1-based): chr1:154,571,204, C>T. VCF-style: chr1-154571204-C-T. GRCh37 (hg19) VCF-style: chr1-154543680-C-T.
Identifiers: ClinVar variation 4281192 (VCV004281192.7).

ClinVar aggregate classification (germline): Likely benign (1 of 4 stars; one submission).

Submission:

CeGaT Center for Human Genetics Tuebingen
Classification: Likely benign. Last evaluated: 2025-09-01. Review status: criteria provided, single submitter. Criteria: CeGaT Center For Human Genetics Tuebingen Variant Classification Criteria Version 2. Collection method: clinical testing. Allele origin: germline. Affected: yes. Observed: 1 variant allele.
Comment: CHRNB2: BP4, BP7